The following is an entry in ClinVar:

NM_001035.3(RYR2):c.12840C>A (p.Val4280=)

Genes: RYR2 (ryanodine receptor 2; plus strand), LOC126806068 (BRD4-independent group 4 enhancer GRCh37_chr1:237947411-237948610; plus strand). Cytogenetic location: 1q43.
Variant type: single nucleotide variant.
Coding change: c.12840C>A on transcript NM_001035.3 (MANE Select); coding-DNA position 12840, C replaced by A.
Protein change: p.Val4280=; no amino-acid change (valine 4280 retained).
Molecular consequence: synonymous variant.
Genome position (GRCh38, 1-based): chr1:237,784,552, C>A. VCF-style: chr1-237784552-C-A. GRCh37 (hg19) VCF-style: chr1-237947852-C-A.
Identifiers: ClinVar variation 920728 (VCV000920728.6), dbSNP rs1695393350, ClinGen allele CA424032337.

ClinVar aggregate classification (germline): Likely benign. Review status: criteria provided, multiple submitters, no conflicts (2 of 4 stars). 2 submissions from 2 submitters: Likely benign (2). Last evaluated 2023-05-16.

Conditions:
Cardiomyopathy (CMYO). Also called: Cardiomyopathies. Identifiers: Orphanet 167848, MedGen C0878544, MONDO:0004994, HP:0001638. Inheritance: Various modes of inheritance.
Catecholaminergic polymorphic ventricular tachycardia (CVPT). Also called: Catecholamine-induced polymorphic ventricular tachycardia. Identifiers: Orphanet 3286, MedGen C5574922, MONDO:0017990.

Submissions (2):

All of Us Research Program, National Institutes of Health
Classification: Likely benign for Catecholaminergic polymorphic ventricular tachycardia. Last evaluated: 2023-05-16. Review status: criteria provided, single submitter. Criteria: ACMG Guidelines, 2015. Collection method: clinical testing. Allele origin: germline. Inheritance: Autosomal dominant inheritance. Observed: 1 variant allele, 1 heterozygote.
Comment: Variant of Uncertain Significance due to insufficient evidence: This synonymous variant does not change the amino acid sequence of the RYR2 protein. However, computational splicing tools suggest that this variant may disrupt RNA splicing. To our knowledge, RNA studies have not been performed to investigate this prediction. This variant has not been reported in individuals affected with cardiovascular disorders in the literature. This variant is rare in the general population and has been identified in 0/277264 chromosomes in the general population by the Genome Aggregation Database (gnomAD). Available evidence is insufficient to determine the role of this variant in disease conclusively.

This study involves interpretation of variants in research participants for the purpose of population health screening. Participant phenotype was not available at the time of variant classification. Additional details can be found in publication PMID: 35346344, PMCID: PMC8962531

Color Diagnostics, LLC DBA Color Health
Classification: Likely benign for Cardiomyopathy. Last evaluated: 2023-04-25. Review status: criteria provided, single submitter. Criteria: ACMG Guidelines, 2015. Collection method: clinical testing. Allele origin: germline.